The following is an entry in ClinVar:

NM_001102564.3(IFT43):c.484G>A (p.Ala162Thr)

Gene: IFT43 (intraflagellar transport 43; plus strand). Cytogenetic location: 14q24.3.
Variant type: single nucleotide variant.
Coding change: c.484G>A on transcript NM_001102564.3 (MANE Select); coding-DNA position 484, G replaced by A.
Protein change: p.Ala162Thr; replaces alanine 162 with threonine.
Molecular consequence: missense variant. On other transcripts: non-coding transcript variant (2).
Genome position (GRCh38, 1-based): chr14:76,083,266, G>A. VCF-style: chr14-76083266-G-A. GRCh37 (hg19) VCF-style: chr14-76549609-G-A.
Other names: c.499G>A, p.Ala167Thr (NM_052873.3); c.499G>A (NM_052873.2); short protein forms A162T, A167T.
Identifiers: ClinVar variation 1933403 (VCV001933403.4), dbSNP rs759669009, ClinGen allele CA7280919.
Genomic context (GRCh38, chr14:76,083,266, plus strand): 5'-TTTTTTTGTTTGCATTCACAGGATGGGGAGATCGACCTGAAACTCCTCACCAAAGTGCTC[G>A]CGCCGGAGCACGAAGTCCGGGAGGTACAGTGGTGGCAGCAATTCCCCGGTCTCTCAGCTC-3'
Protein context (NP_001096034.1, residues 152-172): IDLKLLTKVL[Ala162Thr]PEHEVREDDV

ClinVar aggregate classification (germline): Uncertain significance. Review status: criteria provided, multiple submitters, no conflicts (2 of 4 stars). 2 submissions from 2 submitters: Uncertain significance (2). Last evaluated 2024-07-02.

Allele frequency attached by ClinVar (database versions not stated): ExAC 0.00002; gnomAD exomes 0.00002; TOPMed 0.00003.
gnomAD v4.1: 28 of 1,613,834 alleles (0.0017%); highest among the groups gnomAD compares: Admixed American, 0.025%; no homozygotes.

Submissions (2):

Ambry Genetics
Classification: Uncertain significance. Last evaluated: 2024-07-02. Review status: criteria provided, single submitter. Criteria: Ambry Variant Classification Scheme 2023. Collection method: clinical testing. Allele origin: germline.

Labcorp Genetics (formerly Invitae), Labcorp
Classification: Uncertain significance. Last evaluated: 2022-05-31. Review status: criteria provided, single submitter. Criteria: Invitae Variant Classification Sherloc (09022015). Collection method: clinical testing. Allele origin: germline.
Comment: This variant is present in population databases (rs759669009, gnomAD 0.04%). This sequence change replaces alanine, which is neutral and non-polar, with threonine, which is neutral and polar, at codon 167 of the IFT43 protein (p.Ala167Thr). This variant has not been reported in the literature in individuals affected with IFT43-related conditions. Algorithms developed to predict the effect of missense changes on protein structure and function are either unavailable or do not agree on the potential impact of this missense change (SIFT: "Tolerated"; PolyPhen-2: "Possibly Damaging"; Align-GVGD: "Class C0"). In summary, the available evidence is currently insufficient to determine the role of this variant in disease. Therefore, it has been classified as a Variant of Uncertain Significance.